The following is an entry in ClinVar:

NM_016097.5(IER3IP1):c.30G>T (p.Gln10His)

Gene: IER3IP1 (immediate early response 3 interacting protein 1; minus strand). Cytogenetic location: 18q21.1.
Variant type: single nucleotide variant.
Coding change: c.30G>T on transcript NM_016097.5 (MANE Select); coding-DNA position 30, G replaced by T.
Protein change: p.Gln10His; replaces glutamine 10 with histidine.
Molecular consequence: missense variant.
Genome position (GRCh38, 1-based): chr18:47,176,248, C>A on the plus strand (G>T on the coding strand, the complement: IER3IP1 is on the minus strand). VCF-style: chr18-47176248-C-A. GRCh37 (hg19) VCF-style: chr18-44702619-C-A.
Other names: c.30G>T (NM_016097.3); short protein forms Q10H.
Identifiers: ClinVar variation 1051191 (VCV001051191.7), dbSNP rs375955429, ClinGen allele CA8955748.

ClinVar aggregate classification (germline): Uncertain significance. Review status: criteria provided, multiple submitters, no conflicts (2 of 4 stars). 3 submissions from 3 submitters: Uncertain significance (3). Last evaluated 2025-09-27.

Conditions:
Microcephaly, epilepsy, and diabetes syndrome 1 (MEDS1). Identifiers: MedGen CN305347, MONDO:0031481, OMIM 614231.
Inborn genetic diseases. Identifiers: MedGen C0950123, MeSH D030342.
Microcephaly, epilepsy, and diabetes syndrome. Identifiers: Orphanet 306558, MedGen C3280240, MONDO:0100328.

Allele frequency attached by ClinVar (database versions not stated): gnomAD exomes 0.00002 and 0.00007; ExAC 0.00003; ESP Exome Variant Server 0.00015.

Submissions (3):

Ambry Genetics
Classification: Uncertain significance for Inborn genetic diseases. Last evaluated: 2025-09-27. Review status: criteria provided, single submitter. Criteria: Ambry Variant Classification Scheme 2023. Collection method: clinical testing. Allele origin: germline.

Labcorp Genetics (formerly Invitae), Labcorp
Classification: Uncertain significance for Microcephaly, epilepsy, and diabetes syndrome. Last evaluated: 2022-08-17. Review status: criteria provided, single submitter. Criteria: Invitae Variant Classification Sherloc (09022015). Collection method: clinical testing. Allele origin: germline.
Comment: This sequence change replaces glutamine, which is neutral and polar, with histidine, which is basic and polar, at codon 10 of the IER3IP1 protein (p.Gln10His). This variant is present in population databases (rs375955429, gnomAD 0.006%). This variant has not been reported in the literature in individuals affected with IER3IP1-related conditions. ClinVar contains an entry for this variant (Variation ID: 1051191). Algorithms developed to predict the effect of missense changes on protein structure and function are either unavailable or do not agree on the potential impact of this missense change (SIFT: "Tolerated"; PolyPhen-2: "Possibly Damaging"; Align-GVGD: "Class C0"). In summary, the available evidence is currently insufficient to determine the role of this variant in disease. Therefore, it has been classified as a Variant of Uncertain Significance.

Revvity Omics, Revvity
Classification: Uncertain significance for Microcephaly, epilepsy, and diabetes syndrome 1. Last evaluated: 2021-03-25. Review status: criteria provided, single submitter. Criteria: ACMG Guidelines, 2015. Collection method: clinical testing. Allele origin: germline.